The following is an entry in ClinVar:

NM_020964.3(EPG5):c.6235G>A (p.Gly2079Arg)

Gene: EPG5 (ectopic P-granules 5 autophagy tethering factor; minus strand). Cytogenetic location: 18q12.3.
Variant type: single nucleotide variant.
Coding change: c.6235G>A on transcript NM_020964.3 (MANE Select); coding-DNA position 6235, G replaced by A.
Protein change: p.Gly2079Arg; replaces glycine 2079 with arginine.
Molecular consequence: missense variant.
Genome position (GRCh38, 1-based): chr18:45,867,739, C>T on the plus strand (G>A on the coding strand, the complement: EPG5 is on the minus strand). VCF-style: chr18-45867739-C-T. GRCh37 (hg19) VCF-style: chr18-43447704-C-T.
Other names: short protein forms G2079R.
Identifiers: ClinVar variation 1389110 (VCV001389110.6), dbSNP rs191824898, ClinGen allele CA8948322.

ClinVar aggregate classification (germline): Uncertain significance (1 of 4 stars; one submission).

Conditions:
Vici syndrome (VICIS). Identifiers: Orphanet 1493, MedGen C1855772, MONDO:0009452, OMIM 242840.

Allele frequency attached by ClinVar (database versions not stated): gnomAD exomes below 0.00001 and 0.00002; TOPMed below 0.00001; ExAC 0.00001; gnomAD 0.00001; 1000 Genomes Project 30x 0.00016; 1000 Genomes Project 0.00020.
gnomAD v4.1: 16 of 1,595,900 alleles (0.001%); highest among the groups gnomAD compares: East Asian, 0.036%; no homozygotes.

Submission:

Labcorp Genetics (formerly Invitae), Labcorp
Classification: Uncertain significance for Vici syndrome. Last evaluated: 2024-03-04. Review status: criteria provided, single submitter. Criteria: Invitae Variant Classification Sherloc (09022015). Collection method: clinical testing. Allele origin: germline.
Comment: This sequence change replaces glycine, which is neutral and non-polar, with arginine, which is basic and polar, at codon 2079 of the EPG5 protein (p.Gly2079Arg). This variant is present in population databases (rs191824898, gnomAD 0.01%). This variant has not been reported in the literature in individuals affected with EPG5-related conditions. ClinVar contains an entry for this variant (Variation ID: 1389110). Advanced modeling of protein sequence and biophysical properties (such as structural, functional, and spatial information, amino acid conservation, physicochemical variation, residue mobility, and thermodynamic stability) performed at Invitae indicates that this missense variant is expected to disrupt EPG5 protein function with a positive predictive value of 80%. In summary, the available evidence is currently insufficient to determine the role of this variant in disease. Therefore, it has been classified as a Variant of Uncertain Significance.